The following is an entry in ClinVar:

NM_001386393.1(PANK2):c.1375A>G (p.Ile459Val)

Gene: PANK2 (pantothenate kinase 2; plus strand). Cytogenetic location: 20p13.
Variant type: single nucleotide variant.
Coding change: c.1375A>G on transcript NM_001386393.1 (MANE Select); coding-DNA position 1375, A replaced by G.
Protein change: p.Ile459Val; replaces isoleucine 459 with valine.
Molecular consequence: missense variant. On other transcripts: non-coding transcript variant (1).
Genome position (GRCh38, 1-based): chr20:3,923,286, A>G. VCF-style: chr20-3923286-A-G. GRCh37 (hg19) VCF-style: chr20-3903933-A-G.
Other names: c.832A>G, p.Ile278Val (NM_001324191.2, NM_024960.6, NM_153640.4); c.397A>G, p.Ile133Val (NM_001324193.2); c.1705A>G, p.Ile569Val (NM_153638.4); short protein forms I133V, I278V, I459V, I569V.
Identifiers: ClinVar variation 4872533 (VCV004872533.2).
Genomic context (GRCh38, chr20:3,923,286, plus strand): 5'-TGGTGTATTTTCTTTCAGGGTTATTTTGGAGCTGTTGGAGCACTCCTTGAGCTGTTGAAG[A>G]TCCCGTGATCATTACCTGGGGAGGGGTTCCTGAAACCTTCCACAATGGGATCTGTGGACT-3'
Protein context (NP_001373322.1, residues 449-460): AVGALLELLK[Ile459Val]P

ClinVar aggregate classification (germline): Uncertain significance (1 of 4 stars; one submission).

gnomAD v4.1: 3 of 1,614,188 alleles (0.00019%); highest among the groups gnomAD compares: Non-Finnish European, 0.00025%; no homozygotes.

Submission:

CeGaT Center for Human Genetics Tuebingen
Classification: Uncertain significance. Last evaluated: 2026-06-01. Review status: criteria provided, single submitter. Criteria: CeGaT Center For Human Genetics Tuebingen Variant Classification Criteria Version 2. Collection method: clinical testing. Allele origin: germline. Affected: yes. Observed: 1 variant allele.
Comment: PANK2: PM2